The following is an entry in ClinVar:

NM_005334.3(HCFC1):c.3816G>C (p.Val1272=)

Gene: HCFC1 (host cell factor C1; minus strand). Cytogenetic location: Xq28.
Variant type: single nucleotide variant.
Coding change: c.3816G>C on transcript NM_005334.3 (MANE Select); coding-DNA position 3816, G replaced by C.
Protein change: p.Val1272=; no amino-acid change (valine 1272 retained).
Molecular consequence: synonymous variant.
Genome position (GRCh38, 1-based): chrX:153,954,583, C>G on the plus strand (G>C on the coding strand, the complement: HCFC1 is on the minus strand). VCF-style: chrX-153954583-C-G. GRCh37 (hg19) VCF-style: chrX-153220034-C-G.
Other names: c.3816G>C, p.Val1272= (NM_001410705.1, NM_001440843.1, NM_001440844.1 and 5 more transcripts); c.3618G>C, p.Val1206= (NM_001440850.1, NM_001440851.1).
Identifiers: ClinVar variation 4873112 (VCV004873112.2).
Genomic context (GRCh38, chrX:153,954,583, plus strand): 5'-TGGGTTGGAGCAGACTTGGGTCACGGTGGCCGAGGGGCACAGCAGTGCCTCCAGGGCTGT[C>G]ACAGTCACTGTGGTGCTGGGCGAGCCACCCTGGAGGCTCTCGCACACAGGTGCCATGCGG-3'
Protein context (NP_005325.2, residues 1262-1282): QGGSPSTTVT[Val1272=]TALEALLCPS

ClinVar aggregate classification (germline): Likely benign (1 of 4 stars; one submission).

Submission:

CeGaT Center for Human Genetics Tuebingen
Classification: Likely benign. Last evaluated: 2026-04-01. Review status: criteria provided, single submitter. Criteria: CeGaT Center For Human Genetics Tuebingen Variant Classification Criteria Version 2. Collection method: clinical testing. Allele origin: germline. Affected: yes. Observed: 1 variant allele.
Comment: HCFC1: PM2:Supporting, BP4, BP7